The following is an entry in ClinVar:

NM_006031.6(PCNT):c.95C>T (p.Ser32Leu)

Genes: PCNT (pericentrin; plus strand), LOC128092249 (uncharacterized LOC128092249; plus strand). Cytogenetic location: 21q22.3.
Variant type: single nucleotide variant.
Coding change: c.95C>T on transcript NM_006031.6 (MANE Select); coding-DNA position 95, C replaced by T.
Protein change: p.Ser32Leu; replaces serine 32 with leucine.
Molecular consequence: missense variant. On other transcripts: 5 prime UTR variant (1).
Genome position (GRCh38, 1-based): chr21:46,326,417, C>T. VCF-style: chr21-46326417-C-T. GRCh37 (hg19) VCF-style: chr21-47746331-C-T.
Other names: c.130C>T, p.Arg44Cys (NM_001414902.1); c.-260C>T (NM_001315529.2); short protein forms R44C, S32L.
Identifiers: ClinVar variation 3357065 (VCV003357065.1).

ClinVar aggregate classification (germline): Uncertain significance (0 of 4 stars; one submission).

Conditions:
PCNT-related disorder. Also called: PCNT-related condition.

gnomAD v4.1: 14 of 1,614,178 alleles (0.00087%); highest among the groups gnomAD compares: African/African-American, 0.0013%; no homozygotes.

Submission:

PreventionGenetics, part of Exact Sciences
Classification: Uncertain significance for PCNT-related condition. Last evaluated: 2024-08-06. Review status: no assertion criteria provided. Collection method: clinical testing. Allele origin: germline.
Comment: The PCNT c.95C>T variant is predicted to result in the amino acid substitution p.Ser32Leu. To our knowledge, this variant has not been reported in the literature. This variant is reported in 0.00088% of alleles in individuals of European (Non-Finnish) descent in gnomAD. At this time, the clinical significance of this variant is uncertain due to the absence of conclusive functional and genetic evidence.